The following is an entry in ClinVar:

ClinVar aggregate classification (germline): Uncertain significance (1 of 4 stars; one submission).

Submission:

GeneDx
Classification: Uncertain significance. Last evaluated: 2024-10-02. Review status: criteria provided, single submitter. Criteria: GeneDx Variant Classification Process June 2021. Collection method: clinical testing. Allele origin: germline. Affected: yes.
Comment: Not observed at significant frequency in large population cohorts (gnomAD); Nonsense variant predicted to result in protein truncation as the last 265 amino acids are lost; Has not been previously published as pathogenic or benign to our knowledge

NM_152424.4(AMER1):c.2611C>T (p.Arg871Ter)

Gene: AMER1 (APC membrane recruitment protein 1; minus strand). Cytogenetic location: Xq11.2.
Variant type: single nucleotide variant.
Coding change: c.2611C>T on transcript NM_152424.4 (MANE Select); coding-DNA position 2611, C replaced by T.
Protein change: p.Arg871Ter; replaces arginine 871 with a stop codon.
Molecular consequence: nonsense.
Genome position (GRCh38, 1-based): chrX:64,190,676, G>A on the plus strand (C>T on the coding strand, the complement: AMER1 is on the minus strand). VCF-style: chrX-64190676-G-A. GRCh37 (hg19) VCF-style: chrX-63410556-G-A.
Other names: short protein forms R871*.
Identifiers: ClinVar variation 1312227 (VCV001312227.4), dbSNP rs2147085686, ClinGen allele CA413302564.